The following is an entry in ClinVar:

ClinVar aggregate classification (germline): Uncertain significance. Review status: criteria provided, multiple submitters, no conflicts (2 of 4 stars). 3 submissions from 3 submitters: Uncertain significance (2). 1 of the submissions does not count toward it. Last evaluated 2023-05-08.

Conditions:
Pheochromocytoma/paraganglioma syndrome 5. Also called: Paragangliomas 5; SDHA-Related Hereditary Paraganglioma-Pheochromocytoma Syndrome. Identifiers: Orphanet 29072, MedGen C3279992, MONDO:0013602, OMIM 614165.
Hereditary cancer-predisposing syndrome. Also called: Tumor predisposition; Hereditary Cancer Syndrome; Hereditary neoplastic syndrome; Neoplastic Syndromes, Hereditary. Identifiers: Orphanet 140162, MedGen C0027672, MeSH D009386, MONDO:0015356.
Mitochondrial complex II deficiency, nuclear type 1. Also called: SUCCINATE CoQ REDUCTASE DEFICIENCY. Identifiers: Orphanet 3208, MedGen C5700310, MONDO:0100294, OMIM 252011.

Submissions (3):

Labcorp Genetics (formerly Invitae), Labcorp
Classification: Uncertain significance for Pheochromocytoma/paraganglioma syndrome 5; Mitochondrial complex II deficiency, nuclear type 1. Last evaluated: 2023-05-08. Review status: criteria provided, single submitter. Criteria: Invitae Variant Classification Sherloc (09022015). Collection method: clinical testing. Allele origin: germline.
Comment: In summary, the available evidence is currently insufficient to determine the role of this variant in disease. Therefore, it has been classified as a Variant of Uncertain Significance. Advanced modeling of protein sequence and biophysical properties (such as structural, functional, and spatial information, amino acid conservation, physicochemical variation, residue mobility, and thermodynamic stability) performed at Invitae indicates that this missense variant is not expected to disrupt SDHA protein function. ClinVar contains an entry for this variant (Variation ID: 371819). This variant has not been reported in the literature in individuals affected with SDHA-related conditions. This variant is not present in population databases (gnomAD no frequency). This sequence change replaces alanine, which is neutral and non-polar, with threonine, which is neutral and polar, at codon 454 of the SDHA protein (p.Ala454Thr).

Sema4
Classification: Uncertain significance for Hereditary cancer-predisposing syndrome. Last evaluated: 2022-03-02. Review status: criteria provided, single submitter. Criteria: Sema4 Curation Guidelines. Collection method: curation. Allele origin: germline.
Comment: To the best of our knowledge, the SDHA c.1360G>A (p.A454T) variant has not been reported in individuals with SDHA-related disease. It was not observed in the large and broad cohorts of the Genome Aggregation Database (PMID: 32461654). This variant has been reported in ClinVar (Variation ID 371819). Functional studies have not been performed, and in silico predictions of the variant's effect on protein function are inconclusive. The evidence is insufficient to meet ACMG/AMP criteria for classifying the variant as benign or pathogenic. Thus, the clinical significance of this variant is currently uncertain.

Counsyl
Classification: Uncertain significance for Pheochromocytoma/paraganglioma syndrome 5. Last evaluated: 2016-01-27. Review status: no assertion criteria provided. Collection method: clinical testing. Allele origin: unknown. Not counted in ClinVar's aggregate classification.

Literature cited by the submitters: PubMed 30680959 (cited by Sema4).

NM_004168.4(SDHA):c.1360G>A (p.Ala454Thr)

Gene: SDHA (succinate dehydrogenase complex flavoprotein subunit A; plus strand). Cytogenetic location: 5p15.33.
Variant type: single nucleotide variant.
Coding change: c.1360G>A on transcript NM_004168.4 (MANE Select); coding-DNA position 1360, G replaced by A.
Protein change: p.Ala454Thr; replaces alanine 454 with threonine.
Molecular consequence: missense variant.
Genome position (GRCh38, 1-based): chr5:236,527, G>A. VCF-style: chr5-236527-G-A. GRCh37 (hg19) VCF-style: chr5-236642-G-A.
Other names: c.1216G>A, p.Ala406Thr (NM_001294332.2); c.1360G>A, p.Ala454Thr (NM_001330758.2); short protein forms A454T, A406T.
Identifiers: ClinVar variation 371819 (VCV000371819.7), dbSNP rs1057517550, ClinGen allele CA16042101.